The following is an entry in ClinVar:

NM_019066.5(MAGEL2):c.1919C>A (p.Pro640His)

Gene: MAGEL2 (MAGE family member L2; minus strand). Cytogenetic location: 15q11.2.
Variant type: single nucleotide variant.
Coding change: c.1919C>A on transcript NM_019066.5 (MANE Select); coding-DNA position 1919, C replaced by A.
Protein change: p.Pro640His; replaces proline 640 with histidine.
Molecular consequence: missense variant.
Genome position (GRCh38, 1-based): chr15:23,645,824, G>T on the plus strand (C>A on the coding strand, the complement: MAGEL2 is on the minus strand). VCF-style: chr15-23645824-G-T. GRCh37 (hg19) VCF-style: chr15-23890971-G-T.
Other names: short protein forms P640H.
Identifiers: ClinVar variation 5017216 (VCV005017216.1).

ClinVar aggregate classification (germline): Uncertain significance (1 of 4 stars; one submission).

gnomAD v4.1: 1 of 1,587,460 alleles (0.000063%); highest among the groups gnomAD compares: East Asian, 0.0023%; no homozygotes.

Submission:

GeneDx
Classification: Uncertain significance. Last evaluated: 2026-03-22. Review status: criteria provided, single submitter. Criteria: GeneDx Variant Classification Process June 2021. Collection method: clinical testing. Allele origin: germline.
Comment: Not observed at significant frequency in large population cohorts (gnomAD); Has not been previously published as pathogenic or benign to our knowledge; In silico analysis does not support a benign or deleterious effect of this variant on protein structure/function